The following is an entry in ClinVar:

NM_002294.3(LAMP2):c.1A>G (p.Met1Val)

Gene: LAMP2 (lysosomal associated membrane protein 2; minus strand). Cytogenetic location: Xq24.
Variant type: single nucleotide variant.
Coding change: c.1A>G on transcript NM_002294.3 (MANE Select); coding-DNA position 1, A replaced by G.
Protein change: p.Met1Val; changes the start codon (methionine 1).
Molecular consequence: missense variant, initiator codon variant.
Genome position (GRCh38, 1-based): chrX:120,469,169, T>C on the plus strand (A>G on the coding strand, the complement: LAMP2 is on the minus strand). VCF-style: chrX-120469169-T-C. GRCh37 (hg19) VCF-style: chrX-119603024-T-C.
Other names: c.1A>G, p.Met1Val (NM_001122606.1, NM_013995.2); short protein forms M1V.
Identifiers: ClinVar variation 3766057 (VCV003766057.1).

ClinVar aggregate classification (germline): Likely pathogenic (1 of 4 stars; one submission).

Submission:

GeneDx
Classification: Likely pathogenic. Last evaluated: 2024-09-03. Review status: criteria provided, single submitter. Criteria: GeneDx Variant Classification Process June 2021. Collection method: clinical testing. Allele origin: germline. Affected: yes.
Comment: Has not been previously published as pathogenic or benign to our knowledge; Not observed at significant frequency in large population cohorts (gnomAD); Initiation codon variant in a gene for which loss of function is a known mechanism of disease